The following is an entry in ClinVar:

ClinVar aggregate classification (germline): Benign/Likely benign. Review status: criteria provided, multiple submitters, no conflicts (2 of 4 stars). 14 submissions from 13 submitters: Benign (11); Likely benign (2). 1 of the submissions does not count toward it. Last evaluated 2026-02-03.

Conditions:
Gorlin syndrome. Also called: Nevoid Basal Cell Carcinoma Syndrome; Basal cell nevus syndrome. Identifiers: Orphanet 377, MedGen C0004779, MONDO:0007187.
PTCH1-related disorder. Also called: PTCH1-related disorders; PTCH1-related condition.
Hereditary cancer-predisposing syndrome. Also called: Tumor predisposition; Neoplastic Syndromes, Hereditary; Hereditary Cancer Syndrome; Hereditary neoplastic syndrome. Identifiers: Orphanet 140162, MedGen C0027672, MeSH D009386, MONDO:0015356.
Holoprosencephaly 7 (HPE7). Identifiers: Orphanet 2162, MedGen C1835820, MONDO:0012562, OMIM 610828.

Allele frequency attached by ClinVar (database versions not stated): gnomAD exomes 0.00046 and 0.00105; ExAC 0.00126; 1000 Genomes Project 0.00419; gnomAD 0.00436 and 0.00466; 1000 Genomes Project 30x 0.00453; TOPMed 0.00476; ESP Exome Variant Server 0.00492.

Submissions (14):

Labcorp Genetics (formerly Invitae), Labcorp
Classification: Benign for Gorlin syndrome. Last evaluated: 2026-02-03. Review status: criteria provided, single submitter. Criteria: Invitae Variant Classification Sherloc (09022015). Collection method: clinical testing. Allele origin: germline.

Center for Genomic Medicine, Rigshospitalet, Copenhagen University Hospital
Classification: Benign. Last evaluated: 2025-12-29. Review status: criteria provided, single submitter. Criteria: ACMG Guidelines, 2015. Collection method: clinical testing. Allele origin: germline.

Quest Diagnostics Nichols Institute San Juan Capistrano
Classification: Benign. Last evaluated: 2025-06-02. Review status: criteria provided, single submitter. Criteria: Quest Diagnostics criteria. Collection method: clinical testing. Allele origin: unknown.

Hereditary Cancer Laboratory, Hospital Universitario 12 de Octubre
Classification: Likely benign for Hereditary cancer-predisposing syndrome. Last evaluated: 2025-05-04. Review status: criteria provided, single submitter. Criteria: ACMG Guidelines, 2015. Collection method: clinical testing. Allele origin: germline.
Comment: BP4+BP6+BP7

Blueprint Genetics
Classification: Likely benign. Last evaluated: 2024-09-23. Review status: criteria provided, single submitter. Criteria: ACMG Guidelines, 2015. Collection method: clinical testing. Allele origin: germline.

ARUP Laboratories, Molecular Genetics and Genomics, ARUP Laboratories
Classification: Benign. Last evaluated: 2024-03-20. Review status: criteria provided, single submitter. Criteria: ARUP Molecular Germline Variant Investigation Process 2024. Collection method: clinical testing. Allele origin: germline.

KCCC/NGS Laboratory, Kuwait Cancer Control Center
Classification: Benign for Basal cell nevus syndrome 1. Last evaluated: 2023-07-07. Review status: criteria provided, single submitter. Criteria: ACMG Guidelines, 2015. Collection method: clinical testing. Allele origin: germline. Affected: yes.

GeneDx
Classification: Benign. Last evaluated: 2018-04-23. Review status: criteria provided, single submitter. Criteria: GeneDx Variant Classification (06012015). Collection method: clinical testing. Allele origin: germline. Affected: yes.
Comment: This variant is considered likely benign or benign based on one or more of the following criteria: it is a conservative change, it occurs at a poorly conserved position in the protein, it is predicted to be benign by multiple in silico algorithms, and/or has population frequency not consistent with disease.

Illumina Laboratory Services, Illumina
Classification: Benign for Holoprosencephaly 7. Last evaluated: 2018-01-13. Review status: criteria provided, single submitter. Criteria: ICSL Variant Classification Criteria 13 December 2019. Collection method: clinical testing. Allele origin: germline.
Comment: This variant was observed in the ICSL laboratory as part of a predisposition screen in an ostensibly healthy population. It had not been previously curated by ICSL or reported in the Human Gene Mutation Database (HGMD: prior to June 1st, 2018), and was therefore a candidate for classification through an automated scoring system. Utilizing variant allele frequency, disease prevalence and penetrance estimates, and inheritance mode, an automated score was calculated to assess if this variant is too frequent to cause the disease. Based on the score and internal cut-off values, a variant classified as benign is not then subjected to further curation. The score for this variant resulted in a classification of benign for this disease.

Illumina Laboratory Services, Illumina
Classification: Benign for Basal cell nevus syndrome 1. Last evaluated: 2018-01-13. Review status: criteria provided, single submitter. Criteria: ICSL Variant Classification Criteria 13 December 2019. Collection method: clinical testing. Allele origin: germline.
Comment: the same text as in the submission from Illumina Laboratory Services, Illumina above.

Ambry Genetics
Classification: Benign for Hereditary cancer-predisposing syndrome. Last evaluated: 2017-02-07. Review status: criteria provided, single submitter. Criteria: Ambry Variant Classification Scheme 2023. Collection method: clinical testing. Allele origin: germline.

Women's Health and Genetics/Laboratory Corporation of America, LabCorp
Classification: Benign. Last evaluated: 2016-08-30. Review status: criteria provided, single submitter. Criteria: LabCorp Variant Classification Summary - May 2015. Collection method: clinical testing. Allele origin: germline.
Comment: Variant summary: The PTCH1 c.2937C>T (p.Asn979Asn) variant involves the alteration of a non-conserved nucleotide, resulting in a synonymous change. One in silico tool predicts a damaging outcome for this variant. 5/5 splice prediction tools predict no significant impact on normal splicing. ESE finder predicts that this variant may affect ESE sites. However, these predictions have yet to be confirmed by functional studies. This variant was found in 150/119210 control chromosomes (1 homozygote) at a frequency of 0.0012583, which is approximately 73 times the estimated maximal expected allele frequency of a pathogenic PTCH1 variant (0.0000171), suggesting this variant is likely a benign polymorphism. In addition, one clinical diagnostic laboratory classified this variant as benign. The variant of interest has not, to our knowledge, been reported in affected individuals with NBCCS or HPE7 via publications and/or reputable databases/clinical diagnostic laboratories; nor evaluated for functional impact by in vivo/vitro studies. Taken together, this variant is classified as benign.

Breakthrough Genomics
Classification: Benign. Review status: criteria provided, single submitter. Criteria: ACMG Guidelines, 2015. Collection method: not provided. Allele origin: germline. Inheritance: Autosomal dominant inheritance. Affected: yes.

PreventionGenetics, part of Exact Sciences
Classification: Benign for PTCH1-related condition. Last evaluated: 2019-06-19. Review status: no assertion criteria provided. Collection method: clinical testing. Allele origin: germline. Not counted in ClinVar's aggregate classification.
Comment: This variant is classified as benign based on ACMG/AMP sequence variant interpretation guidelines (Richards et al. 2015 PMID: 25741868, with internal and published modifications).

NM_000264.5(PTCH1):c.2937C>T (p.Asn979=)

Gene: PTCH1 (patched 1; minus strand). Cytogenetic location: 9q22.32.
Variant type: single nucleotide variant.
Coding change: c.2937C>T on transcript NM_000264.5 (MANE Select); coding-DNA position 2937, C replaced by T.
Protein change: p.Asn979=; no amino-acid change (asparagine 979 retained).
Molecular consequence: synonymous variant. On other transcripts: non-coding transcript variant (1).
Genome position (GRCh38, 1-based): chr9:95,458,244, G>A on the plus strand (C>T on the coding strand, the complement: PTCH1 is on the minus strand). VCF-style: chr9-95458244-G-A. GRCh37 (hg19) VCF-style: chr9-98220526-G-A.
Other names: c.2739C>T, p.Asn913= (NM_001083602.3); c.2934C>T, p.Asn978= (NM_001083603.3); c.2484C>T, p.Asn828= (NM_001083604.3, NM_001083605.3, NM_001083606.3 and 1 more transcripts); c.2781C>T, p.Asn927= (NM_001354918.2).
Identifiers: ClinVar variation 220451 (VCV000220451.31), dbSNP rs58629309, ClinGen allele CA350227.